The following is an entry in ClinVar:

ClinVar aggregate classification (germline): Uncertain significance (1 of 4 stars; one submission).

Allele frequency attached by ClinVar (database versions not stated): ExAC 0.00002.

Submission:

Labcorp Genetics (formerly Invitae), Labcorp
Classification: Uncertain significance. Last evaluated: 2025-10-01. Review status: criteria provided, single submitter. Criteria: Invitae Variant Classification Sherloc (09022015). Collection method: clinical testing. Allele origin: germline.
Comment: This sequence change replaces glycine, which is neutral and non-polar, with cysteine, which is neutral and slightly polar, at codon 284 of the RHO protein (p.Gly284Cys). This variant is present in population databases (rs765350593, gnomAD 0.01%). This variant has not been reported in the literature in individuals affected with RHO-related conditions. ClinVar contains an entry for this variant (Variation ID: 938796). Invitae Evidence Modeling of protein sequence and biophysical properties (such as structural, functional, and spatial information, amino acid conservation, physicochemical variation, residue mobility, and thermodynamic stability) has been performed for this missense variant. However, the output from this modeling did not meet the statistical confidence thresholds required to predict the impact of this variant on RHO protein function. In summary, the available evidence is currently insufficient to determine the role of this variant in disease. Therefore, it has been classified as a Variant of Uncertain Significance.

NM_000539.3(RHO):c.850G>T (p.Gly284Cys)

Gene: RHO (rhodopsin; plus strand). Cytogenetic location: 3q22.1.
Variant type: single nucleotide variant.
Coding change: c.850G>T on transcript NM_000539.3 (MANE Select); coding-DNA position 850, G replaced by T.
Protein change: p.Gly284Cys; replaces glycine 284 with cysteine.
Molecular consequence: missense variant.
Genome position (GRCh38, 1-based): chr3:129,532,686, G>T. VCF-style: chr3-129532686-G-T. GRCh37 (hg19) VCF-style: chr3-129251529-G-T.
Other names: short protein forms G284C.
Identifiers: ClinVar variation 938796 (VCV000938796.9), dbSNP rs765350593, ClinGen allele CA2607297.